The following is an entry in ClinVar:

NM_001943.5(DSG2):c.1003A>T (p.Thr335Ser)

Gene: DSG2 (desmoglein 2; plus strand). Cytogenetic location: 18q12.1.
Variant type: single nucleotide variant.
Coding change: c.1003A>T on transcript NM_001943.5 (MANE Select); coding-DNA position 1003, A replaced by T.
Protein change: p.Thr335Ser; replaces threonine 335 with serine.
Molecular consequence: missense variant.
Genome position (GRCh38, 1-based): chr18:31,524,877, A>T. VCF-style: chr18-31524877-A-T. GRCh37 (hg19) VCF-style: chr18-29104840-A-T.
Other names: short protein forms T335S.
Identifiers: ClinVar variation 3386581 (VCV003386581.1).
Genomic context (GRCh38, chr18:31,524,877, plus strand): 5'-GGAAATGAAGGAGGTTATTTCCACATAGAAACAGATGCTCAAACTAACGAAGGAATTGTG[A>T]CCCTTATTAAGGTAAGTACTAAGTATTCAAAACTGGCGTGGGCCAAGTTGGTGCTGGAAA-3'
Protein context (NP_001934.2, residues 325-345): TDAQTNEGIV[Thr335Ser]LIKEVDYEEM

ClinVar aggregate classification (germline): Uncertain significance (1 of 4 stars; one submission).

Conditions:
Arrhythmogenic right ventricular cardiomyopathy (ARVD). Also called: Arrhythmogenic right ventricular dysplasia; Cardiomyopathy, ARVC; Arrhythmogenic cardiomyopathy; Arrhythmogenic Right Ventricular Cardiomyopathy (ARVC). Identifiers: Orphanet 247, MedGen C0349788, MeSH D019571, MONDO:0016587. Disease mechanism: loss of function. Inheritance: Various modes of inheritance.

Submission:

All of Us Research Program, National Institutes of Health
Classification: Uncertain significance for Arrhythmogenic right ventricular cardiomyopathy. Last evaluated: 2024-08-06. Review status: criteria provided, single submitter. Criteria: ACMG Guidelines, 2015. Collection method: clinical testing. Allele origin: germline. Inheritance: Autosomal dominant inheritance. Observed: 1 variant allele, 1 heterozygote.
Comment: This study involves interpretation of variants in research participants for the purpose of population health screening. Participant phenotype was not available at the time of variant classification. Additional details can be found in publication PMID: 35346344, PMCID: PMC8962531